The following is an entry in ClinVar:

NM_000836.4(GRIN2D):c.2774C>T (p.Pro925Leu)

Gene: GRIN2D (glutamate ionotropic receptor NMDA type subunit 2D; plus strand). Cytogenetic location: 19q13.33.
Variant type: single nucleotide variant.
Coding change: c.2774C>T on transcript NM_000836.4 (MANE Select); coding-DNA position 2774, C replaced by T.
Protein change: p.Pro925Leu; replaces proline 925 with leucine.
Molecular consequence: missense variant.
Genome position (GRCh38, 1-based): chr19:48,442,700, C>T. VCF-style: chr19-48442700-C-T. GRCh37 (hg19) VCF-style: chr19-48945957-C-T.
Other names: short protein forms P925L.
Identifiers: ClinVar variation 3636281 (VCV003636281.2).

ClinVar aggregate classification (germline): Uncertain significance (1 of 4 stars; one submission).

Submission:

Labcorp Genetics (formerly Invitae), Labcorp
Classification: Uncertain significance. Last evaluated: 2024-07-10. Review status: criteria provided, single submitter. Criteria: Invitae Variant Classification Sherloc (09022015). Collection method: clinical testing. Allele origin: germline.
Comment: This sequence change replaces proline, which is neutral and non-polar, with leucine, which is neutral and non-polar, at codon 925 of the GRIN2D protein (p.Pro925Leu). The frequency data for this variant in the population databases is considered unreliable, as metrics indicate insufficient coverage at this position in the gnomAD database. This variant has not been reported in the literature in individuals affected with GRIN2D-related conditions. Advanced modeling of protein sequence and biophysical properties (such as structural, functional, and spatial information, amino acid conservation, physicochemical variation, residue mobility, and thermodynamic stability) performed at Invitae indicates that this missense variant is not expected to disrupt GRIN2D protein function with a negative predictive value of 95%. In summary, the available evidence is currently insufficient to determine the role of this variant in disease. Therefore, it has been classified as a Variant of Uncertain Significance.